The following is an entry in ClinVar:

ClinVar aggregate classification (germline): Conflicting classifications of pathogenicity. Review status: criteria provided, conflicting classifications (1 of 4 stars). 4 submissions from 4 submitters: Uncertain significance (3); Likely benign (1). Last evaluated 2026-01-05.

Conditions:
COL7A1-related disorder. Also called: COL7A1-related condition; COL7A1- related disorders.
Generalized dominant dystrophic epidermolysis bullosa (DDEB). Also called: DDEB, generalized; DDEB-gen; DYSTROPHIC EPIDERMOLYSIS BULLOSA, AUTOSOMAL DOMINANT; Epidermolysis bullosa dystrophica, autosomal dominant; Dominant DEB (DDEB). Identifiers: Orphanet 231568, MedGen C0432322, MONDO:0007549, OMIM 131750.
Dominant dystrophic epidermolysis bullosa with absence of skin. Also called: EPIDERMOLYSIS BULLOSA WITH CONGENITAL LOCALIZED ABSENCE OF SKIN AND DEFORMITY OF NAILS; EPIDERMOLYSIS BULLOSA DYSTROPHICA, BART TYPE. Identifiers: MedGen C0268371, MONDO:0007557, OMIM 132000.
Pretibial dystrophic epidermolysis bullosa. Also called: EPIDERMOLYSIS BULLOSA DYSTROPHICA, PRETIBIAL; Pretibial epidermolysis bullosa; Pretibial blistering. Identifiers: Orphanet 79410, MedGen C0432321, MONDO:0007552, OMIM 131850, HP:0012221.
Nonsyndromic congenital nail disorder 8. Also called: TOENAIL DYSTROPHY, ISOLATED. Identifiers: MedGen C1843761, MONDO:0011852, OMIM 607523.
Transient bullous dermolysis of the newborn (TBDN). Also called: EPIDERMOLYSIS BULLOSA DYSTROPHICA, NEONATAL FORM; DYSTROPHIC EPIDERMOLYSIS BULLOSA, NEONATAL. Identifiers: Orphanet 79411, MedGen C1851573, MONDO:0007548, OMIM 131705.
Epidermolysis bullosa pruriginosa. Also called: DEB, PRURIGINOSA; DYSTROPHIC EPIDERMOLYSIS BULLOSA PRURIGINOSA. Identifiers: Orphanet 89843, MedGen C1275114, MONDO:0011398, OMIM 604129.
Recessive dystrophic epidermolysis bullosa (RDEB). Also called: severe generalized recessive dystrophic epidermolysis bullosa; Epidermolysis Bullosa Distrophica Autosomal Recessive (RDEB); epidermolysis bullosa dystrophica, autosomal recessive; EPIDERMOLYSIS BULLOSA DYSTROPHICA, GENERALIZED SEVERE, AUTOSOMAL RECESSIVE; Hallopeau-Siemens Disease; Recessive DEB (RDEB). Identifiers: Orphanet 79408, Orphanet 79409, MedGen C0079474, MONDO:0009179, OMIM 226600.
Epidermolysis bullosa dystrophica. Also called: Dystrophic epidermolysis bullosa, Hallopeau-Siemens type (formerly); Dystrophic epidermolysis bullosa. Identifiers: Orphanet 303, MedGen C0079294, MONDO:0006543.

Allele frequency attached by ClinVar (database versions not stated): TOPMed 0.00010; gnomAD 0.00011; ExAC 0.00012; gnomAD exomes 0.00012 and 0.00014; 1000 Genomes Project 30x 0.00016; 1000 Genomes Project 0.00020.
gnomAD v4.1: 214 of 1,613,396 alleles (0.013%); highest among the groups gnomAD compares: Admixed American, 0.03%; no homozygotes.

Submissions (4):

Labcorp Genetics (formerly Invitae), Labcorp
Classification: Likely benign. Last evaluated: 2026-01-05. Review status: criteria provided, single submitter. Criteria: Invitae Variant Classification Sherloc (09022015). Collection method: clinical testing. Allele origin: germline.

PreventionGenetics, part of Exact Sciences
Classification: Uncertain significance for COL7A1-related condition. Last evaluated: 2025-02-18. Review status: criteria provided, single submitter. Criteria: ACMG Guidelines, 2015. Collection method: clinical testing. Allele origin: germline.
Comment: The COL7A1 c.4889G>A variant is predicted to result in the amino acid substitution p.Arg1630Gln. This variant has been reported, along with another COL7A1 variant, in two individuals with autosomal recessive dystrophic epidermolysis bullosa (DEB, Table S1, Vahidnezhad et al. 2017. PubMed ID: 27899325; van den Akker et al. 2015. PubMed ID: 25113066). This variant is reported in 0.031% of alleles in individuals of Latino descent in gnomAD. At this time, the clinical significance of this variant is uncertain due to the absence of conclusive functional and genetic evidence.

Fulgent Genetics
Classification: Uncertain significance for Transient bullous dermolysis of the newborn; Generalized dominant dystrophic epidermolysis bullosa; Pretibial dystrophic epidermolysis bullosa; Dominant dystrophic epidermolysis bullosa with absence of skin; Recessive dystrophic epidermolysis bullosa; Epidermolysis bullosa pruriginosa; Nonsyndromic congenital nail disorder 8. Last evaluated: 2022-04-23. Review status: criteria provided, single submitter. Criteria: ACMG Guidelines, 2015. Collection method: clinical testing. Allele origin: unknown.

Illumina Laboratory Services, Illumina
Classification: Uncertain significance for Dystrophic epidermolysis bullosa. Last evaluated: 2017-04-27. Review status: criteria provided, single submitter. Criteria: ICSL Variant Classification Criteria 13 December 2019. Collection method: clinical testing. Allele origin: germline.

NM_000094.4(COL7A1):c.4889G>A (p.Arg1630Gln)

Gene: COL7A1 (collagen type VII alpha 1 chain; minus strand). Cytogenetic location: 3p21.31.
Variant type: single nucleotide variant.
Coding change: c.4889G>A on transcript NM_000094.4 (MANE Select); coding-DNA position 4889, G replaced by A.
Protein change: p.Arg1630Gln; replaces arginine 1630 with glutamine.
Molecular consequence: missense variant.
Genome position (GRCh38, 1-based): chr3:48,581,270, C>T on the plus strand (G>A on the coding strand, the complement: COL7A1 is on the minus strand). VCF-style: chr3-48581270-C-T. GRCh37 (hg19) VCF-style: chr3-48618703-C-T.
Other names: short protein forms R1630Q.
Identifiers: ClinVar variation 900799 (VCV000900799.11), dbSNP rs201196696, ClinGen allele CA2379801.